The following is an entry in ClinVar:

NM_001267550.2(TTN):c.85293A>C (p.Thr28431=)

Genes: TTN (titin; minus strand), TTN-AS1 (TTN antisense RNA 1; plus strand). Cytogenetic location: 2q31.2.
Variant type: single nucleotide variant.
Coding change: c.85293A>C on transcript NM_001267550.2 (MANE Select); coding-DNA position 85293, A replaced by C.
Protein change: p.Thr28431=; no amino-acid change (threonine 28431 retained).
Molecular consequence: synonymous variant.
Genome position (GRCh38, 1-based): chr2:178,560,839, T>G on the plus strand (A>C on the coding strand, the complement: TTN is on the minus strand). VCF-style: chr2-178560839-T-G. GRCh37 (hg19) VCF-style: chr2-179425566-T-G.
Other names: c.80370A>C, p.Thr26790= (NM_001256850.1); c.58098A>C, p.Thr19366= (NM_003319.4); c.77589A>C, p.Thr25863= (NM_133378.4); c.58473A>C, p.Thr19491= (NM_133432.3); c.58674A>C, p.Thr19558= (NM_133437.4).
Identifiers: ClinVar variation 4875348 (VCV004875348.2).
Genomic context (GRCh38, chr2:178,560,839, plus strand): 5'-AGGCTTATCAAGTACTTTGCAATTAACGGCCACAGACCGAGTGCCGGCAACATTCTTCAG[T>G]GTTAGTACATATTGCCCAGTGTCTCGTCTTATACAGTCTTTAACTGTTAACAAAGTATGA-3'
Protein context (NP_001254479.2, residues 28421-28441): IRRDTGQYVL[Thr28431=]LKNVAGTRSV

ClinVar aggregate classification (germline): Likely benign (1 of 4 stars; one submission).

Submission:

CeGaT Center for Human Genetics Tuebingen
Classification: Likely benign. Last evaluated: 2026-06-01. Review status: criteria provided, single submitter. Criteria: CeGaT Center For Human Genetics Tuebingen Variant Classification Criteria Version 2. Collection method: clinical testing. Allele origin: germline. Affected: yes. Observed: 1 variant allele.
Comment: TTN: PM2:Supporting, BP4, BP7